The following is an entry in ClinVar:

NM_018418.5(SPATA7):c.808del (p.Asp270fs)

Gene: SPATA7 (spermatogenesis associated 7; plus strand). Cytogenetic location: 14q31.3.
Variant type: Deletion.
Coding change: c.808del on transcript NM_018418.5 (MANE Select); coding-DNA position 808, one base deleted (G; older notation c.808delG).
Protein change: p.Asp270fs; shifts the reading frame from aspartic acid 270.
Molecular consequence: frameshift variant.
Genome position (GRCh38, 1-based): chr14:88,426,667, G deleted. VCF-style (leftmost placement, unchanged base first): chr14-88426666-AG-A. GRCh37 (hg19) VCF-style: chr14-88893010-AG-A.
Other names: c.712del, p.Asp238fs (NM_001040428.4); short protein forms D238fs, D270fs.
Identifiers: ClinVar variation 4794921 (VCV004794921.2).
Genomic context (GRCh38, chr14:88,426,666, plus strand): 5'-AAAATCTTTCCTGTCACAGTATCGCTATTATACACCTGCCAAAAGAAAAAAGGATTTTAC[AG>A]ATCAACGGATAGAAGCTGAAACCCAGACTGAATTAAGGTATGACACATCAGCAACCAACA-3'

ClinVar aggregate classification (germline): Pathogenic/Likely pathogenic. Review status: criteria provided, multiple submitters, no conflicts (2 of 4 stars). 2 submissions from 2 submitters: Pathogenic (1); Likely pathogenic (1). Last evaluated 2025-07-10.

Conditions:
Leber congenital amaurosis 3 (LCA3). Also called: SPATA7-Related Retinitis Pigmentosa. Identifiers: MedGen C1858677, MONDO:0011415, OMIM 604232.
SPATA7-related disorder. Also called: SPATA7-related condition; SPATA7-related disorders. Identifiers: MedGen CN239422.

Submissions (2):

Labcorp Genetics (formerly Invitae), Labcorp
Classification: Pathogenic for Leber congenital amaurosis 3. Last evaluated: 2025-07-10. Review status: criteria provided, single submitter. Criteria: Invitae Variant Classification Sherloc (09022015). Collection method: clinical testing. Allele origin: germline.
Comment: This sequence change creates a premature translational stop signal (p.Asp270Ilefs*4) in the SPATA7 gene. It is expected to result in an absent or disrupted protein product. Loss-of-function variants in SPATA7 are known to be pathogenic (PMID: 19268277, 22334370, 23847139, 26047050, 26261414). This variant is present in population databases (no rsID available, gnomAD 0.002%). This variant has not been reported in the literature in individuals affected with SPATA7-related conditions. For these reasons, this variant has been classified as Pathogenic.

Blueprint Genetics
Classification: Likely pathogenic for SPATA7-related disorders. Last evaluated: 2020-04-14. Review status: criteria provided, single submitter. Criteria: ACMG Guidelines, 2015. Collection method: clinical testing. Allele origin: germline. Affected: yes. Observed: 1 variant allele.

Literature cited by the submitters: PubMed 19268277 (cited by Labcorp Genetics (formerly Invitae), Labcorp); PubMed 22334370 (cited by Labcorp Genetics (formerly Invitae), Labcorp); PubMed 23847139 (cited by Labcorp Genetics (formerly Invitae), Labcorp); PubMed 26047050 (cited by Labcorp Genetics (formerly Invitae), Labcorp); PubMed 26261414 (cited by Labcorp Genetics (formerly Invitae), Labcorp).